The following is an entry in ClinVar:

NM_017662.5(TRPM6):c.4896T>G (p.Phe1632Leu)

Gene: TRPM6 (transient receptor potential cation channel subfamily M member 6; minus strand). Cytogenetic location: 9q21.13.
Variant type: single nucleotide variant.
Coding change: c.4896T>G on transcript NM_017662.5 (MANE Select); coding-DNA position 4896, T replaced by G.
Protein change: p.Phe1632Leu; replaces phenylalanine 1632 with leucine.
Molecular consequence: missense variant.
Genome position (GRCh38, 1-based): chr9:74,755,363, A>C on the plus strand (T>G on the coding strand, the complement: TRPM6 is on the minus strand). VCF-style: chr9-74755363-A-C. GRCh37 (hg19) VCF-style: chr9-77370279-A-C.
Other names: c.4881T>G, p.Phe1627Leu (NM_001177310.2, NM_001177311.2); short protein forms F1632L, F1627L.
Identifiers: ClinVar variation 738349 (VCV000738349.13), dbSNP rs143861381, ClinGen allele CA5084000.

ClinVar aggregate classification (germline): Likely benign. Review status: criteria provided, multiple submitters, no conflicts (2 of 4 stars). 4 submissions from 4 submitters: Likely benign (3). 1 of the submissions does not count toward it. Last evaluated 2026-01-26.

Conditions:
TRPM6-related disorder. Also called: TRPM6-related condition.
Inborn genetic diseases. Identifiers: MedGen C0950123, MeSH D030342.

Allele frequency attached by ClinVar (database versions not stated): gnomAD exomes 0.00011 and 0.00028; ExAC 0.00041; 1000 Genomes Project 30x 0.00109; 1000 Genomes Project 0.00120; gnomAD 0.00126 and 0.00135; TOPMed 0.00137; ESP Exome Variant Server 0.00161.
gnomAD v4.1: 350 of 1,614,092 alleles (0.022%); highest among the groups gnomAD compares: African/African-American, 0.43%; no homozygotes.

Submissions (4):

Labcorp Genetics (formerly Invitae), Labcorp
Classification: Likely benign. Last evaluated: 2026-01-26. Review status: criteria provided, single submitter. Criteria: Invitae Variant Classification Sherloc (09022015). Collection method: clinical testing. Allele origin: germline.

Ambry Genetics
Classification: Likely benign for Inborn genetic diseases. Last evaluated: 2024-09-27. Review status: criteria provided, single submitter. Criteria: Ambry Variant Classification Scheme 2023. Collection method: clinical testing. Allele origin: germline.

Breakthrough Genomics
Classification: Likely benign. Review status: criteria provided, single submitter. Criteria: ACMG Guidelines, 2015. Collection method: not provided. Allele origin: germline. Inheritance: Autosomal recessive inheritance. Affected: yes.

PreventionGenetics, part of Exact Sciences
Classification: Likely benign for TRPM6-related condition. Last evaluated: 2024-06-21. Review status: no assertion criteria provided. Collection method: clinical testing. Allele origin: germline. Not counted in ClinVar's aggregate classification.
Comment: This variant is classified as likely benign based on ACMG/AMP sequence variant interpretation guidelines (Richards et al. 2015 PMID: 25741868, with internal and published modifications).